The following is an entry in ClinVar:

NM_000264.5(PTCH1):c.1583dup (p.Asn528fs)

Gene: PTCH1 (patched 1; minus strand). Cytogenetic location: 9q22.32.
Variant type: Duplication.
Coding change: c.1583dup on transcript NM_000264.5 (MANE Select); coding-DNA position 1583, one base duplicated (A; older notation c.1583dupA).
Protein change: p.Asn528fs; shifts the reading frame from asparagine 528.
Molecular consequence: frameshift variant. On other transcripts: non-coding transcript variant (1).
Genome position (GRCh38, 1-based): chr9:95,476,778, T duplicated on the plus strand (A on the coding strand, the reverse complement: PTCH1 is on the minus strand); the first of 2 consecutive T bases (chr9:95,476,778-95,476,779); duplicating either gives the same sequence. VCF-style (leftmost placement, unchanged base first): chr9-95476777-A-AT. GRCh37 (hg19) VCF-style: chr9-98239059-A-AT.
Other names: c.1583dupA (NM_000264.3); c.1385dup, p.Asn462fs (NM_001083602.3); c.1580dup, p.Asn527fs (NM_001083603.3); c.1130dup, p.Asn377fs (NM_001083604.3, NM_001083605.3, NM_001083606.3 and 1 more transcripts); c.1427dup, p.Asn476fs (NM_001354918.2); short protein forms N528fs, N462fs, N476fs, N377fs, N527fs.
Identifiers: ClinVar variation 453793 (VCV000453793.7), dbSNP rs1554698258, ClinGen allele CA658656040.

ClinVar aggregate classification (germline): Pathogenic (1 of 4 stars; one submission).

Conditions:
Gorlin syndrome. Also called: Basal cell nevus syndrome; Nevoid Basal Cell Carcinoma Syndrome. Identifiers: Orphanet 377, MedGen C0004779, MONDO:0007187.

Submission:

Labcorp Genetics (formerly Invitae), Labcorp
Classification: Pathogenic for Gorlin syndrome. Last evaluated: 2017-05-11. Review status: criteria provided, single submitter. Criteria: Invitae Variant Classification Sherloc (09022015). Collection method: clinical testing. Allele origin: germline.
Comment: For these reasons, this variant has been classified as Pathogenic. While this particular variant has not been reported in the literature, loss-of-function variants in PTCH1 are known to be pathogenic (PMID: 16301862, 16419085). This sequence change inserts 1 nucleotide in exon 11 of the PTCH1 mRNA (c.1583dupA), causing a frameshift at codon 528. This creates a premature translational stop signal (p.Asn528Lysfs*2) and is expected to result in an absent or disrupted protein product.

Literature cited by the submitters: PubMed 16301862; PubMed 16419085.